The following is an entry in ClinVar:

NM_000512.5(GALNS):c.497A>G (p.His166Arg)

Gene: GALNS (galactosamine (N-acetyl)-6-sulfatase; minus strand). Cytogenetic location: 16q24.3.
Variant type: single nucleotide variant.
Coding change: c.497A>G on transcript NM_000512.5 (MANE Select); coding-DNA position 497, A replaced by G.
Protein change: p.His166Arg; replaces histidine 166 with arginine.
Molecular consequence: missense variant. On other transcripts: 5 prime UTR variant (1).
Genome position (GRCh38, 1-based): chr16:88,837,691, T>C on the plus strand (A>G on the coding strand, the complement: GALNS is on the minus strand). VCF-style: chr16-88837691-T-C. GRCh37 (hg19) VCF-style: chr16-88904099-T-C.
Other names: c.-59A>G (NM_001323543.2); c.515A>G, p.His172Arg (NM_001323544.2); short protein forms H166R, H172R.
Identifiers: ClinVar variation 1048197 (VCV001048197.3), dbSNP rs2143002394, ClinGen allele CA397082985.

ClinVar aggregate classification (germline): Uncertain significance (1 of 4 stars; one submission).

Conditions:
Mucopolysaccharidosis, MPS-IV-A (MPS4A). Also called: Mucopolysaccharidosis type IV A; Mucopolysaccharidosis Type IVA; Morquio syndrome A, mild; MORQUIO SYNDROME A; MPS IVA; mucopolysaccharidosis type 4A. Identifiers: Orphanet 309297, Orphanet 582, MedGen C0086651, MONDO:0009659, OMIM 253000.

Submission:

Laboratory of Diagnosis and Therapy of Lysosomal Disorders, University of Padova
Classification: Uncertain significance for Mucopolysaccharidosis, MPS-IV-A. Last evaluated: 2021-02-01. Review status: criteria provided, single submitter. Criteria: ACMG Guidelines, 2015. Collection method: curation. Allele origin: germline. Affected: yes.
Comment: In vivo functional studies supportive of a damaging effect on the gene product (low to null enzymatic activity in homozygotes; PS3_supporting); absent from gnomAD v2.1.1 (PM2_moderate); multiple lines of computational evidence support a deleterious effect on the gene (PP3_supporting)

Literature cited by the submitters: PubMed 24726177; PubMed 34387910.